The following is an entry in ClinVar:

ClinVar aggregate classification (germline): Uncertain significance (1 of 4 stars; one submission).

Submission:

Ambry Genetics
Classification: Uncertain significance. Last evaluated: 2022-08-30. Review status: criteria provided, single submitter. Criteria: Ambry Variant Classification Scheme 2023. Collection method: clinical testing. Allele origin: germline.
Comment: The p.L127R variant (also known as c.380T>G), located in coding exon 4 of the RINT1 gene, results from a T to G substitution at nucleotide position 380. The leucine at codon 127 is replaced by arginine, an amino acid with dissimilar properties. This amino acid position is conserved. In addition, the in silico prediction for this alteration is inconclusive. Since supporting evidence is limited at this time, the clinical significance of this alteration remains unclear.

NM_021930.6(RINT1):c.380T>G (p.Leu127Arg)

Gene: RINT1 (RAD50 interactor 1; plus strand). Cytogenetic location: 7q22.3.
Variant type: single nucleotide variant.
Coding change: c.380T>G on transcript NM_021930.6 (MANE Select); coding-DNA position 380, T replaced by G.
Protein change: p.Leu127Arg; replaces leucine 127 with arginine.
Molecular consequence: missense variant. On other transcripts: 5 prime UTR variant (3), non-coding transcript variant (1).
Genome position (GRCh38, 1-based): chr7:105,542,514, T>G. VCF-style: chr7-105542514-T-G. GRCh37 (hg19) VCF-style: chr7-105182961-T-G.
Other names: c.146T>G, p.Leu49Arg (NM_001346599.2); c.-640T>G (NM_001346600.2); c.-543T>G (NM_001346601.2); c.-163T>G (NM_001346603.2); short protein forms L127R, L49R.
Identifiers: ClinVar variation 1735145 (VCV001735145.2), dbSNP rs2485112671, ClinGen allele CA368803317.